The following is an entry in ClinVar:

ClinVar aggregate classification (germline): Likely benign. Review status: criteria provided, single submitter (1 of 4 stars). 2 submissions from 2 submitters: Likely benign (1). 1 of the submissions does not count toward it. Last evaluated 2025-08-27.

Conditions:
Inborn genetic diseases. Identifiers: MedGen C0950123, MeSH D030342.
IRF2BPL-related disorder. Also called: IRF2BPL-related condition. Identifiers: MedGen CN381093.

Allele frequency attached by ClinVar (database versions not stated): gnomAD 0.00002; TOPMed 0.00004; gnomAD exomes 0.00006; ExAC 0.00012.

Submissions (2):

Ambry Genetics
Classification: Likely benign for Inborn genetic diseases. Last evaluated: 2025-08-27. Review status: criteria provided, single submitter. Criteria: Ambry Variant Classification Scheme 2023. Collection method: clinical testing. Allele origin: germline.

PreventionGenetics, part of Exact Sciences
Classification: Likely benign for IRF2BPL-related condition. Last evaluated: 2022-11-16. Review status: no assertion criteria provided. Collection method: clinical testing. Allele origin: germline. Not counted in ClinVar's aggregate classification.
Comment: This variant is classified as likely benign based on ACMG/AMP sequence variant interpretation guidelines (Richards et al. 2015 PMID: 25741868, with internal and published modifications).

NM_024496.4(IRF2BPL):c.79A>C (p.Ile27Leu)

Genes: IRF2BPL (interferon regulatory factor 2 binding protein like; minus strand), LOC107984638 (uncharacterized LOC107984638; plus strand). Cytogenetic location: 14q24.3.
Variant type: single nucleotide variant.
Coding change: c.79A>C on transcript NM_024496.4 (MANE Select); coding-DNA position 79, A replaced by C.
Protein change: p.Ile27Leu; replaces isoleucine 27 with leucine.
Molecular consequence: missense variant.
Genome position (GRCh38, 1-based): chr14:77,027,714, T>G on the plus strand (A>C on the coding strand, the complement: IRF2BPL is on the minus strand). VCF-style: chr14-77027714-T-G. GRCh37 (hg19) VCF-style: chr14-77494057-T-G.
Other names: c.79A>C (NM_024496.2); short protein forms I27L.
Identifiers: ClinVar variation 3047526 (VCV003047526.3), dbSNP rs770030016, ClinGen allele CA7284110.